The following is an entry in ClinVar:

NM_002474.3(MYH11):c.2997+5G>C

Gene: MYH11 (myosin heavy chain 11; minus strand). Cytogenetic location: 16p13.11.
Variant type: single nucleotide variant.
Coding change: c.2997+5G>C on transcript NM_002474.3 (MANE Select); 5 bases into the intron after coding-DNA position 2997, G replaced by C.
Molecular consequence: intron variant.
Genome position (GRCh38, 1-based): chr16:15,740,046, C>G on the plus strand (G>C on the coding strand, the complement: MYH11 is on the minus strand). VCF-style: chr16-15740046-C-G. GRCh37 (hg19) VCF-style: chr16-15833903-C-G.
Other names: c.2997+5G>C (NM_022844.3); c.3018+5G>C (NM_001040114.2, NM_001040113.2).
Identifiers: ClinVar variation 3764709 (VCV003764709.3).

ClinVar aggregate classification (germline): Likely pathogenic (1 of 4 stars; one submission).

Conditions:
Megacystis-microcolon-intestinal hypoperistalsis syndrome 2. Identifiers: MedGen C5543476, MONDO:0025708, OMIM 619351.

Submission:

Juno Genomics, Hangzhou Juno Genomics, Inc
Classification: Likely pathogenic for Megacystis-microcolon-intestinal hypoperistalsis syndrome 2. Review status: criteria provided, single submitter. Criteria: ACMG Guidelines, 2015. Collection method: clinical testing. Allele origin: germline. Affected: yes.
Comment: Absent from controls (or at extremely low frequency if recessive) in Genome Aggregation Database.;Multiple lines of computational evidence support a deleterious effect on the gene or gene product.;For recessive disorders, detected in trans with a pathogenic variant.;Patient's phenotype or family history is highly specific for a disease with a single genetic etiology.;Co-segregation with disease in multiple affected family members.